The following is an entry in ClinVar:

NM_002386.4(MC1R):c.262A>G (p.Ser88Gly)

Gene: MC1R (melanocortin 1 receptor; plus strand). Cytogenetic location: 16q24.3.
Variant type: single nucleotide variant.
Coding change: c.262A>G on transcript NM_002386.4 (MANE Select); coding-DNA position 262, A replaced by G.
Protein change: p.Ser88Gly; replaces serine 88 with glycine.
Molecular consequence: missense variant.
Genome position (GRCh38, 1-based): chr16:89,919,520, A>G. VCF-style: chr16-89919520-A-G. GRCh37 (hg19) VCF-style: chr16-89985928-A-G.
Other names: short protein forms S88G.
Identifiers: ClinVar variation 1409540 (VCV001409540.8), dbSNP rs2144391372, ClinGen allele CA397460131.
Genomic context (GRCh38, chr16:89,919,520, plus strand): 5'-AACCTGCACTCACCCATGTACTGCTTCATCTGCTGCCTGGCCTTGTCGGACCTGCTGGTG[A>G]GCGGGAGCAACGTGCTGGAGACGGCCGTCATCCTCCTGCTGGAGGCCGGTGCACTGGTGG-3'
Protein context (NP_002377.4, residues 78-98): CCLALSDLLV[Ser88Gly]GSNVLETAVI

ClinVar aggregate classification (germline): Uncertain significance (1 of 4 stars; one submission).

Conditions:
Melanoma, cutaneous malignant, susceptibility to, 5. Also called: Cutaneous malignant melanoma 5. Identifiers: Orphanet 618, MedGen C2751295, MONDO:0013133, OMIM 613099.

Submission:

Labcorp Genetics (formerly Invitae), Labcorp
Classification: Uncertain significance for Melanoma, cutaneous malignant, susceptibility to, 5. Last evaluated: 2021-03-26. Review status: criteria provided, single submitter. Criteria: Invitae Variant Classification Sherloc (09022015). Collection method: clinical testing. Allele origin: germline.
Comment: This sequence change replaces serine with glycine at codon 88 of the MC1R protein (p.Ser88Gly). The serine residue is highly conserved and there is a small physicochemical difference between serine and glycine. This variant is not present in population databases (ExAC no frequency). This variant has not been reported in the literature in individuals with MC1R-related conditions. Algorithms developed to predict the effect of missense changes on protein structure and function (SIFT, PolyPhen-2, Align-GVGD) all suggest that this variant is likely to be disruptive, but these predictions have not been confirmed by published functional studies and their clinical significance is uncertain. In summary, the available evidence is currently insufficient to determine the role of this variant in disease. Therefore, it has been classified as a Variant of Uncertain Significance.